The following is an entry in ClinVar:

NM_000074.3(CD40LG):c.569T>G (p.Ile190Arg)

Gene: CD40LG (CD40 ligand; plus strand). Cytogenetic location: Xq26.3.
Variant type: single nucleotide variant.
Coding change: c.569T>G on transcript NM_000074.3 (MANE Select); coding-DNA position 569, T replaced by G.
Protein change: p.Ile190Arg; replaces isoleucine 190 with arginine.
Molecular consequence: missense variant.
Genome position (GRCh38, 1-based): chrX:136,659,198, T>G. VCF-style: chrX-136659198-T-G. GRCh37 (hg19) VCF-style: chrX-135741357-T-G.
Other names: short protein forms I190R.
Identifiers: ClinVar variation 3628273 (VCV003628273.2).

ClinVar aggregate classification (germline): Uncertain significance (1 of 4 stars; one submission).

Conditions:
Hyper-IgM syndrome type 1. Also called: Hyper-IgM Immunodeficiency Syndrome, Type 1; CD40 Ligand Deficiency; X-linked hyper-IgM syndrome; Immunodeficiency, X-linked, with hyper-IgM. Identifiers: Orphanet 101088, MedGen C0398689, MONDO:0010626, OMIM 308230.

gnomAD v4.1: 12 of 1,211,646 alleles (0.00099%); highest among the groups gnomAD compares: Non-Finnish European, 0.0013%; no homozygotes.

Submission:

Labcorp Genetics (formerly Invitae), Labcorp
Classification: Uncertain significance for Hyper-IgM syndrome type 1. Last evaluated: 2024-03-03. Review status: criteria provided, single submitter. Criteria: Invitae Variant Classification Sherloc (09022015). Collection method: clinical testing. Allele origin: germline.
Comment: This sequence change replaces isoleucine, which is neutral and non-polar, with arginine, which is basic and polar, at codon 190 of the CD40LG protein (p.Ile190Arg). This variant is not present in population databases (gnomAD no frequency). This variant has not been reported in the literature in individuals affected with CD40LG-related conditions. Advanced modeling of protein sequence and biophysical properties (such as structural, functional, and spatial information, amino acid conservation, physicochemical variation, residue mobility, and thermodynamic stability) performed at Invitae indicates that this missense variant is not expected to disrupt CD40LG protein function with a negative predictive value of 80%. In summary, the available evidence is currently insufficient to determine the role of this variant in disease. Therefore, it has been classified as a Variant of Uncertain Significance.